The following is an entry in ClinVar:

NM_006231.4(POLE):c.2524A>C (p.Ile842Leu)

Gene: POLE (DNA polymerase epsilon, catalytic subunit; minus strand). Cytogenetic location: 12q24.33.
Variant type: single nucleotide variant.
Coding change: c.2524A>C on transcript NM_006231.4 (MANE Select); coding-DNA position 2524, A replaced by C.
Protein change: p.Ile842Leu; replaces isoleucine 842 with leucine.
Molecular consequence: missense variant.
Genome position (GRCh38, 1-based): chr12:132,664,407, T>G on the plus strand (A>C on the coding strand, the complement: POLE is on the minus strand). VCF-style: chr12-132664407-T-G. GRCh37 (hg19) VCF-style: chr12-133240993-T-G.
Other names: short protein forms I842L.
Identifiers: ClinVar variation 2447951 (VCV002447951.2), dbSNP rs1282733110, ClinGen allele CA387396364.
Genomic context (GRCh38, chr12:132,664,407, plus strand): 5'-CACGGCTCCCCTTCTGCACTCACCCAATCTGCTCGATCAGCTCCCGTGCCTGGGTGATGA[T>G]GTTGGCCCCTGTGAAGCAGACGATGCCAGCCATCTCCATGGAGTACCAGCGAGCCCTGAG-3'
Protein context (NP_006222.2, residues 832-852): AGIVCFTGAN[Ile842Leu]ITQARELIEQ

ClinVar aggregate classification (germline): Uncertain significance (1 of 4 stars; one submission).

Conditions:
Hereditary cancer-predisposing syndrome. Also called: Neoplastic Syndromes, Hereditary; Hereditary Cancer Syndrome; Tumor predisposition; Hereditary neoplastic syndrome. Identifiers: Orphanet 140162, MedGen C0027672, MeSH D009386, MONDO:0015356.

Submission:

Ambry Genetics
Classification: Uncertain significance for Hereditary cancer-predisposing syndrome. Last evaluated: 2023-02-24. Review status: criteria provided, single submitter. Criteria: Ambry Variant Classification Scheme 2023. Collection method: clinical testing. Allele origin: germline.
Comment: The p.I842L variant (also known as c.2524A>C), located in coding exon 22 of the POLE gene, results from an A to C substitution at nucleotide position 2524. The isoleucine at codon 842 is replaced by leucine, an amino acid with highly similar properties. This amino acid position is conserved. In addition, this alteration is predicted to be tolerated by in silico analysis. Since supporting evidence is limited at this time, the clinical significance of this alteration remains unclear.